The following is an entry in ClinVar:

NM_001164508.2(NEB):c.902_903delinsAT (p.Arg301Asn)

Gene: NEB (nebulin; minus strand). Cytogenetic location: 2q23.3.
Variant type: Indel.
Coding change: c.902_903delinsAT on transcript NM_001164508.2 (MANE Select); coding-DNA positions 902 to 903, GA replaced by AT.
Protein change: p.Arg301Asn; replaces arginine 301 with asparagine.
Molecular consequence: missense variant.
Genome position (GRCh38, 1-based): chr2:151,710,458-151,710,459, TC replaced by AT on the plus strand (GA replaced by AT on the coding strand, the reverse complement: NEB is on the minus strand). VCF-style: chr2-151710458-TC-AT. GRCh37 (hg19) VCF-style: chr2-152566972-TC-AT.
Other names: c.902_903delGAinsAT (NM_001271208.1); c.902_903delinsAT, p.Arg301Asn (NM_001164507.2, NM_001271208.2, NM_004543.5); short protein forms R301N.
Identifiers: ClinVar variation 966075 (VCV000966075.13), dbSNP rs2099741678, ClinGen allele CA1139657266.

ClinVar aggregate classification (germline): Uncertain significance. Review status: criteria provided, multiple submitters, no conflicts (2 of 4 stars). 4 submissions from 4 submitters: Uncertain significance (4). Last evaluated 2026-03-25.

Conditions:
Nemaline myopathy 2 (NEM2). Also called: Nemaline myopathy 2, autosomal recessive. Identifiers: MedGen C1850569, MONDO:0009725, OMIM 256030.

Submissions (4):

Women's Health and Genetics/Laboratory Corporation of America, LabCorp
Classification: Uncertain significance. Last evaluated: 2026-03-25. Review status: criteria provided, single submitter. Criteria: LabCorp Variant Classification Summary - May 2015. Collection method: clinical testing. Allele origin: germline.
Comment: Variant summary: NEB c.902_903delinsAT (p.Arg301Asn) results in a non-conservative amino acid change in the encoded protein sequence. Algorithms developed to predict the effect of missense changes on protein structure and function are either unavailable or do not agree on the potential impact of this missense change. The variant allele was found at a frequency of 0.00016 in 280342 control chromosomes, predominantly at a frequency of 0.0016 within the African or African-American subpopulation in the gnomAD database. This frequency is not significantly higher than estimated for disease-causing variants in NEB, allowing no conclusion about variant significance. To our knowledge, no occurrence of c.902_903delinsAT in individuals affected with NEB-related conditions and no experimental evidence demonstrating its impact on protein function have been reported. ClinVar contains an entry for this variant (Variation ID: 966075). Based on the evidence outlined above, the variant was classified as uncertain significance.

GeneDx
Classification: Uncertain significance. Last evaluated: 2025-05-09. Review status: criteria provided, single submitter. Criteria: GeneDx Variant Classification Process June 2021. Collection method: clinical testing. Allele origin: germline. Affected: yes.
Comment: Has not been previously published as pathogenic or benign to our knowledge; In silico analysis is inconclusive as to whether the variant alters gene splicing. In the absence of RNA/functional studies, the actual effect of this sequence change is unknown.; In silico analysis does not support a benign or deleterious effect of this variant on protein structure/function

Labcorp Genetics (formerly Invitae), Labcorp
Classification: Uncertain significance for Nemaline myopathy 2. Last evaluated: 2022-08-15. Review status: criteria provided, single submitter. Criteria: Invitae Variant Classification Sherloc (09022015). Collection method: clinical testing. Allele origin: germline.
Comment: This sequence change replaces arginine, which is basic and polar, with asparagine, which is neutral and polar, at codon 301 of the NEB protein (p.Arg301Asn). This variant is present in population databases (no rsID available, gnomAD 1.6%). This variant has not been reported in the literature in individuals affected with NEB-related conditions. ClinVar contains an entry for this variant (Variation ID: 966075). Experimental studies and prediction algorithms are not available or were not evaluated, and the functional significance of this variant is currently unknown. In summary, the available evidence is currently insufficient to determine the role of this variant in disease. Therefore, it has been classified as a Variant of Uncertain Significance.

Genetic Services Laboratory, University of Chicago
Classification: Uncertain significance. Last evaluated: 2019-04-04. Review status: criteria provided, single submitter. Criteria: ACMG Guidelines, 2015. Collection method: clinical testing. Allele origin: germline. Affected: no.